The following is an entry in ClinVar:

ClinVar aggregate classification (germline): Uncertain significance (1 of 4 stars; one submission).

Conditions:
Hereditary cancer-predisposing syndrome. Also called: Hereditary Cancer Syndrome; Hereditary neoplastic syndrome; Neoplastic Syndromes, Hereditary; Tumor predisposition. Identifiers: Orphanet 140162, MedGen C0027672, MeSH D009386, MONDO:0015356.

gnomAD v4.1: 1 of 1,613,890 alleles (0.000062%); highest among the groups gnomAD compares: East Asian, 0.0022%; no homozygotes.

Submission:

Ambry Genetics
Classification: Uncertain significance for Hereditary cancer-predisposing syndrome. Last evaluated: 2022-05-30. Review status: criteria provided, single submitter. Criteria: Ambry Variant Classification Scheme 2023. Collection method: clinical testing. Allele origin: germline.
Comment: The p.E32D variant (also known as c.96G>C), located in coding exon 1 of the AXIN2 gene, results from a G to C substitution at nucleotide position 96. The glutamic acid at codon 32 is replaced by aspartic acid, an amino acid with highly similar properties. This amino acid position is conserved. In addition, this alteration is predicted to be tolerated by in silico analysis. Since supporting evidence is limited at this time, the clinical significance of this alteration remains unclear.

NM_004655.4(AXIN2):c.96G>C (p.Glu32Asp)

Gene: AXIN2 (axin 2; minus strand). Cytogenetic location: 17q24.1.
Variant type: single nucleotide variant.
Coding change: c.96G>C on transcript NM_004655.4 (MANE Select); coding-DNA position 96, G replaced by C.
Protein change: p.Glu32Asp; replaces glutamic acid 32 with aspartic acid.
Molecular consequence: missense variant.
Genome position (GRCh38, 1-based): chr17:65,558,525, C>G on the plus strand (G>C on the coding strand, the complement: AXIN2 is on the minus strand). VCF-style: chr17-65558525-C-G. GRCh37 (hg19) VCF-style: chr17-63554643-C-G.
Other names: c.96G>C, p.Glu32Asp (NM_001363813.1); short protein forms E32D.
Identifiers: ClinVar variation 1767903 (VCV001767903.2), dbSNP rs1453134737, ClinGen allele CA400682204.